The following is an entry in ClinVar:

ClinVar aggregate classification (germline): Pathogenic (1 of 4 stars; one submission).

Conditions:
Sulfite oxidase deficiency due to molybdenum cofactor deficiency type C. Also called: Molybdenum cofactor deficiency, complementation group C; Molybdenum cofactor deficiency C. Identifiers: Orphanet 308400, Orphanet 833, MedGen C1854990, MONDO:0014212, OMIM 615501.

Submission:

Labcorp Genetics (formerly Invitae), Labcorp
Classification: Pathogenic for Sulfite oxidase deficiency due to molybdenum cofactor deficiency type C. Last evaluated: 2023-12-31. Review status: criteria provided, single submitter. Criteria: Invitae Variant Classification Sherloc (09022015). Collection method: clinical testing. Allele origin: germline.
Comment: This variant is a gross deletion of the genomic region encompassing exon(s) 4-10 of the GPHN gene. This deletion is out-of-frame, and is expected to create a premature termination codon and result in an absent or disrupted protein product. Loss-of-function variants in GPHN are known to be pathogenic (PMID: 11095995, 23184456, 23393157, 24561070, 26613940). This variant has not been reported in the literature in individuals affected with GPHN-related conditions. For these reasons, this variant has been classified as Pathogenic.

Literature cited by the submitters: PubMed 11095995; PubMed 23184456; PubMed 23393157; PubMed 24561070; PubMed 26613940.

NC_000014.8:g.(?_67291172)_(67490412_?)del

Gene: GPHN (gephyrin; plus strand). Cytogenetic location: 14q23.3.
Variant type: Deletion.
Identifiers: ClinVar variation 2426608 (VCV002426608.4).